The following is an entry in ClinVar:

NM_001256071.3(RNF213):c.12266T>C (p.Ile4089Thr)

Genes: RNF213 (ring finger protein 213; plus strand), RNF213-AS1 (RNF213 antisense RNA 1; minus strand). Cytogenetic location: 17q25.3.
Variant type: single nucleotide variant.
Coding change: c.12266T>C on transcript NM_001256071.3 (MANE Select); coding-DNA position 12266, T replaced by C.
Protein change: p.Ile4089Thr; replaces isoleucine 4089 with threonine.
Molecular consequence: missense variant.
Genome position (GRCh38, 1-based): chr17:80,369,612, T>C. VCF-style: chr17-80369612-T-C. GRCh37 (hg19) VCF-style: chr17-78343412-T-C.
Other names: short protein forms I4089T.
Identifiers: ClinVar variation 1691212 (VCV001691212.4), dbSNP rs1883768320, ClinGen allele CA401409603.

ClinVar aggregate classification (germline): Uncertain significance. Review status: criteria provided, multiple submitters, no conflicts (2 of 4 stars). 2 submissions from 2 submitters: Uncertain significance (2). Last evaluated 2025-12-31.

Submissions (2):

Labcorp Genetics (formerly Invitae), Labcorp
Classification: Uncertain significance. Last evaluated: 2025-12-31. Review status: criteria provided, single submitter. Criteria: Invitae Variant Classification Sherloc (09022015). Collection method: clinical testing. Allele origin: germline.
Comment: This sequence change replaces isoleucine, which is neutral and non-polar, with threonine, which is neutral and polar, at codon 4089 of the RNF213 protein (p.Ile4089Thr). This variant is not present in population databases (gnomAD no frequency). This variant has not been reported in the literature in individuals affected with RNF213-related conditions. ClinVar contains an entry for this variant (Variation ID: 1691212). Invitae Evidence Modeling of protein sequence and biophysical properties (such as structural, functional, and spatial information, amino acid conservation, physicochemical variation, residue mobility, and thermodynamic stability) indicates that this missense variant is not expected to disrupt RNF213 protein function with a negative predictive value of 95%. In summary, the available evidence is currently insufficient to determine the role of this variant in disease. Therefore, it has been classified as a Variant of Uncertain Significance.

GeneDx
Classification: Uncertain significance. Last evaluated: 2022-06-13. Review status: criteria provided, single submitter. Criteria: GeneDx Variant Classification Process June 2021. Collection method: clinical testing. Allele origin: germline. Affected: yes.
Comment: Has not been previously published as pathogenic or benign to our knowledge; Not observed at significant frequency in large population cohorts (gnomAD); In silico analysis supports that this missense variant has a deleterious effect on protein structure/function